The following is an entry in ClinVar:

NM_001089.3(ABCA3):c.385G>A (p.Val129Met)

Gene: ABCA3 (ATP binding cassette subfamily A member 3; minus strand). Cytogenetic location: 16p13.3.
Variant type: single nucleotide variant.
Coding change: c.385G>A on transcript NM_001089.3 (MANE Select); coding-DNA position 385, G replaced by A.
Protein change: p.Val129Met; replaces valine 129 with methionine.
Molecular consequence: missense variant.
Genome position (GRCh38, 1-based): chr16:2,324,466, C>T on the plus strand (G>A on the coding strand, the complement: ABCA3 is on the minus strand). VCF-style: chr16-2324466-C-T. GRCh37 (hg19) VCF-style: chr16-2374467-C-T.
Other names: short protein forms V129M.
Identifiers: ClinVar variation 596502 (VCV000596502.13), dbSNP rs137924161, ClinGen allele CA7841683.

ClinVar aggregate classification (germline): Uncertain significance. Review status: criteria provided, multiple submitters, no conflicts (2 of 4 stars). 7 submissions from 7 submitters: Uncertain significance (6). 1 of the submissions does not count toward it. Last evaluated 2024-12-07.

Conditions:
Hereditary pulmonary alveolar proteinosis. Also called: Pulmonary surfactant metabolism dysfunction. Identifiers: Orphanet 264675, MedGen C3711368, MONDO:0012580.
ABCA3-related disorder. Also called: ABCA3-related condition.
Interstitial lung disease due to ABCA3 deficiency. Also called: PULMONARY ALVEOLAR PROTEINOSIS, CONGENITAL, 3. Identifiers: Orphanet 440402, MedGen C1970456, MONDO:0012582, OMIM 610921.

Allele frequency attached by ClinVar (database versions not stated): gnomAD exomes 0.00015; ExAC 0.00030; gnomAD 0.00061; TOPMed 0.00067; 1000 Genomes Project 0.00100; ESP Exome Variant Server 0.00108; 1000 Genomes Project 30x 0.00109.

Submissions (7):

Labcorp Genetics (formerly Invitae), Labcorp
Classification: Uncertain significance. Last evaluated: 2024-12-07. Review status: criteria provided, single submitter. Criteria: Invitae Variant Classification Sherloc (09022015). Collection method: clinical testing. Allele origin: germline.
Comment: This sequence change replaces valine, which is neutral and non-polar, with methionine, which is neutral and non-polar, at codon 129 of the ABCA3 protein (p.Val129Met). This variant is present in population databases (rs137924161, gnomAD 0.2%). This missense change has been observed in individual(s) with ABCA3-related conditions (PMID: 24871971). ClinVar contains an entry for this variant (Variation ID: 596502). Invitae Evidence Modeling of protein sequence and biophysical properties (such as structural, functional, and spatial information, amino acid conservation, physicochemical variation, residue mobility, and thermodynamic stability) indicates that this missense variant is not expected to disrupt ABCA3 protein function with a negative predictive value of 80%. In summary, the available evidence is currently insufficient to determine the role of this variant in disease. Therefore, it has been classified as a Variant of Uncertain Significance.

Women's Health and Genetics/Laboratory Corporation of America, LabCorp
Classification: Uncertain significance. Last evaluated: 2024-01-15. Review status: criteria provided, single submitter. Criteria: LabCorp Variant Classification Summary - May 2015. Collection method: clinical testing. Allele origin: germline.
Comment: Variant summary: ABCA3 c.385G>A (p.Val129Met) results in a conservative amino acid change in the encoded protein sequence. Four of five in-silico tools predict a damaging effect of the variant on protein function. The variant allele was found at a frequency of 0.00015 in 246812 control chromosomes. This frequency is not significantly higher than estimated for a pathogenic variant in ABCA3 causing Pulmonary surfactant metabolism dysfunction (0.00015 vs 0.0011), allowing no conclusion about variant significance. c.385G>A has been reported in the literature in a compound heterozygous infant who carried who carried two additional ABCA3 variants in cis and in trans from a cohort of infant and children affected with lethal neonatal respiratory failure or childhood interstitial lung disease (e.g. Wambach_2014). These report(s) do not provide unequivocal conclusions about association of the variant with Pulmonary surfactant metabolism dysfunction. To our knowledge, no experimental evidence demonstrating an impact on protein function has been reported. The following publications have been ascertained in the context of this evaluation (PMID: 24871971, 23166334). ClinVar contains an entry for this variant (Variation ID: 596502). Based on the evidence outlined above, the variant was classified as uncertain significance.

GeneDx
Classification: Uncertain significance. Last evaluated: 2023-02-28. Review status: criteria provided, single submitter. Criteria: GeneDx Variant Classification Process June 2021. Collection method: clinical testing. Allele origin: germline. Affected: yes.
Comment: Identified in one individual with ABCA3 deficiency, who also harbored two additional variants in the ABCA3 gene (Wambach et al., 2014); In silico analysis supports that this missense variant has a deleterious effect on protein structure/function; This variant is associated with the following publications: (PMID: 24871971, 23166334, 34638622)

Fulgent Genetics
Classification: Uncertain significance for Interstitial lung disease due to ABCA3 deficiency. Last evaluated: 2022-05-16. Review status: criteria provided, single submitter. Criteria: ACMG Guidelines, 2015. Collection method: clinical testing. Allele origin: unknown.

Eurofins Ntd Llc (ga)
Classification: Uncertain significance. Last evaluated: 2018-04-02. Review status: criteria provided, single submitter. Criteria: EGL ClinVar v180209 classification definitions. Collection method: clinical testing. Allele origin: germline. Observed: 1 variant allele, 1 heterozygote.

Ambry Genetics
Classification: Uncertain significance for Hereditary pulmonary alveolar proteinosis. Last evaluated: 2014-09-02. Review status: criteria provided, single submitter. Criteria: Ambry Variant Classification Scheme 2023. Collection method: clinical testing. Allele origin: germline.
Comment: The p.V129M variant (also known as c.385G>A), located in coding exon 3 of the ABCA3 gene, results from a G to A substitution at nucleotide position 385. The valine at codon 129 is replaced by methionine, an amino acid with highly similar properties. This variant was reported in a child who presented with symptoms of surfactant deficiency along with another variant of unknown significance, but no other pathogenic mutation was detected (Wambach JA, Am. J. Respir. Crit. Care Med. 2014 Jun; 189(12):1538-43). This variant was previously reported in the SNPDatabase as rs137924161. Based on data from the 1000 Genomes Project, the A allele has an overall frequency of approximately 0.05% (1/2098) total alleles studied. The highest observed frequency was 0.94% (1/106) African-American SW alleles. Based on data from the NHLBI Exome Sequencing Project (ESP), the A allele has an overall frequency of approximately 0.11% (14/12996) total alleles studied, having been observed in 0.3% (13/4396) African American alleles and 0.01% (1/8600) European American alleles. This amino acid position is conserved in all available species, except x. tropicalis, stickleback, and medaka. In addition, the in silico prediction for this alteration is inconclusive. Since supporting evidence for this variant is limited at this time, the clinical significance of this variant remains unclear.

PreventionGenetics, part of Exact Sciences
Classification: Likely benign for ABCA3-related condition. Last evaluated: 2024-05-31. Review status: no assertion criteria provided. Collection method: clinical testing. Allele origin: germline. Not counted in ClinVar's aggregate classification.
Comment: This variant is classified as likely benign based on ACMG/AMP sequence variant interpretation guidelines (Richards et al. 2015 PMID: 25741868, with internal and published modifications).

Literature cited by the submitters: PubMed 24871971 (cited by 3 submitters); PubMed 23166334 (cited by Women's Health and Genetics/Laboratory Corporation of America, LabCorp).